The following is an entry in ClinVar:

NM_003200.5(TCF3):c.175T>C (p.Trp59Arg)

Gene: TCF3 (transcription factor 3; minus strand). Cytogenetic location: 19p13.3.
Variant type: single nucleotide variant.
Coding change: c.175T>C on transcript NM_003200.5 (MANE Select); coding-DNA position 175, T replaced by C.
Protein change: p.Trp59Arg; replaces tryptophan 59 with arginine.
Molecular consequence: missense variant.
Genome position (GRCh38, 1-based): chr19:1,632,376, A>G on the plus strand (T>C on the coding strand, the complement: TCF3 is on the minus strand). VCF-style: chr19-1632376-A-G. GRCh37 (hg19) VCF-style: chr19-1632375-A-G.
Other names: c.175T>C, p.Trp59Arg (NM_001136139.4, NM_001351778.2, NM_001351779.2); short protein forms W59R.
Identifiers: ClinVar variation 3697942 (VCV003697942.2).

ClinVar aggregate classification (germline): Uncertain significance (1 of 4 stars; one submission).

gnomAD v4.1: 44 of 1,597,074 alleles (0.0028%); highest among the groups gnomAD compares: Non-Finnish European, 0.0037%; no homozygotes.

Submission:

Labcorp Genetics (formerly Invitae), Labcorp
Classification: Uncertain significance. Last evaluated: 2024-05-13. Review status: criteria provided, single submitter. Criteria: Invitae Variant Classification Sherloc (09022015). Collection method: clinical testing. Allele origin: germline.
Comment: This sequence change replaces tryptophan, which is neutral and slightly polar, with arginine, which is basic and polar, at codon 59 of the TCF3 protein (p.Trp59Arg). This variant is not present in population databases (gnomAD no frequency). This variant has not been reported in the literature in individuals affected with TCF3-related conditions. Advanced modeling of protein sequence and biophysical properties (such as structural, functional, and spatial information, amino acid conservation, physicochemical variation, residue mobility, and thermodynamic stability) performed at Invitae indicates that this missense variant is expected to disrupt TCF3 protein function with a positive predictive value of 80%. In summary, the available evidence is currently insufficient to determine the role of this variant in disease. Therefore, it has been classified as a Variant of Uncertain Significance.